The following is an entry in ClinVar:

NM_002470.4(MYH3):c.271A>C (p.Met91Leu)

Gene: MYH3 (myosin heavy chain 3; minus strand). Cytogenetic location: 17p13.1.
Variant type: single nucleotide variant.
Coding change: c.271A>C on transcript NM_002470.4 (MANE Select); coding-DNA position 271, A replaced by C.
Protein change: p.Met91Leu; replaces methionine 91 with leucine.
Molecular consequence: missense variant.
Genome position (GRCh38, 1-based): chr17:10,652,497, T>G on the plus strand (A>C on the coding strand, the complement: MYH3 is on the minus strand). VCF-style: chr17-10652497-T-G. GRCh37 (hg19) VCF-style: chr17-10555814-T-G.
Other names: short protein forms M91L.
Identifiers: ClinVar variation 452380 (VCV000452380.2), dbSNP rs79952473, ClinGen allele CA398116910.
Genomic context (GRCh38, chr17:10,652,497, plus strand): 5'-TGTAACGGTCCTTCAGGTTGTACAGCACGGCTGGCTCATTCAGGTGCGTCAGCATGGCCA[T>G]GTCTTCGATCCTGTCGAACTTGGGGGGGTTCATGGCGTACACATCCTCTGGTTTGACCAC-3'
Protein context (NP_002461.2, residues 81-101): NPPKFDRIED[Met91Leu]AMLTHLNEPA

ClinVar aggregate classification (germline): Likely pathogenic (1 of 4 stars; one submission).

Submission:

GeneDx
Classification: Likely pathogenic. Last evaluated: 2017-09-29. Review status: criteria provided, single submitter. Criteria: GeneDx Variant Classification (06012015). Collection method: clinical testing. Allele origin: germline. Affected: yes.
Comment: The M91L variant in the MYH3 gene has not been reported previously as a pathogenic variant, nor as a benign variant, to our knowledge. The M91L variant is not observed in large population cohorts (Lek et al., 2016). The M91L variant is a conservative amino acid substitution, which is not likely to impact secondary protein structure as these residues share similar properties. This substitution occurs at a position that is conserved across species. In silico analysis is inconsistent in its predictions as to whether or not the variant is damaging to the protein structure/function. We interpret M91L as a variant of uncertain significance.